The following is an entry in ClinVar:

NM_000303.3(PMM2):c.179-25A>G

Gene: PMM2 (phosphomannomutase 2; plus strand). Cytogenetic location: 16p13.2.
Variant type: single nucleotide variant.
Coding change: c.179-25A>G on transcript NM_000303.3 (MANE Select); 25 bases into the intron before coding-DNA position 179, A replaced by G.
Molecular consequence: intron variant.
Genome position (GRCh38, 1-based): chr16:8,804,742, A>G. VCF-style: chr16-8804742-A-G. GRCh37 (hg19) VCF-style: chr16-8898599-A-G.
Identifiers: ClinVar variation 2677902 (VCV002677902.3), dbSNP rs760689221, ClinGen allele CA7893951.
Genomic context (GRCh38, chr16:8,804,742, plus strand): 5'-TTATTGGTGGTCATTGTTAATCAAGGAGTAAAAACACAGGTTTTGATTCTTTGCATTCTA[A>G]GTGTTTTTTTGGTTTTGATTGTAGTGGTTGAAAAATACGATTATGTGTTTCCAGAAAATG-3'

ClinVar aggregate classification (germline): Likely pathogenic. Review status: criteria provided, multiple submitters, no conflicts (2 of 4 stars). 3 submissions from 3 submitters: Likely pathogenic (3). Last evaluated 2025-10-07.

Conditions:
PMM2-congenital disorder of glycosylation. Also called: Congenital disorder of glycosylation, type Ia; CDG Ia; PMM2-CDG; JAEKEN SYNDROME; PHOSPHOMANNOMUTASE 2 DEFICIENCY; CARBOHYDRATE-DEFICIENT GLYCOPROTEIN SYNDROME, TYPE Ia. Identifiers: Orphanet 79318, MedGen C0349653, MONDO:0008907, OMIM 212065.

Allele frequency attached by ClinVar (database versions not stated): ExAC 0.00001.

Submissions (3):

Myriad Genetics, Inc.
Classification: Likely pathogenic for PMM2-congenital disorder of glycosylation. Last evaluated: 2025-10-07. Review status: criteria provided, single submitter. Criteria: Myriad Autosomal Dominant, Autosomal Recessive and X-Linked Classification Criteria (2023). Collection method: clinical testing. Allele origin: unknown.
Comment: NM_000303.2(PMM2):c.179-25A>G is an intronic variant classified as likely pathogenic in the context of congenital disorder of glycosylation, PMM2-related. c.179-25A>G has been observed in a case with relevant disease (PMID: 16376131). Relevant functional assessments of this variant are available in the literature (PMID: 16376131). c.179-25A>G has been observed in referenced population frequency databases. In summary, NM_000303.2(PMM2):c.179-25A>G is an intronic variant that has functional support for pathogenicity and has been observed more frequently in cases with the relevant disease than in healthy populations. Please note: this variant was assessed in the context of healthy population screening.

GeneDx
Classification: Likely pathogenic. Last evaluated: 2025-03-02. Review status: criteria provided, single submitter. Criteria: GeneDx Variant Classification Process June 2021. Collection method: clinical testing. Allele origin: germline. Affected: yes.
Comment: Not observed at significant frequency in large population cohorts (gnomAD); In silico analysis supports a deleterious effect on splicing; RNA studies demonstrate a damaging effect: mRNA analysis by RT-PCR reported to show skipping of exon 3 (PMID: 16376131); This variant is associated with the following publications: (PMID: 28954837, 34277356, 16376131)

Baylor Genetics
Classification: Likely pathogenic for PMM2-congenital disorder of glycosylation. Last evaluated: 2021-11-20. Review status: criteria provided, single submitter. Criteria: ACMG Guidelines, 2015. Collection method: clinical testing. Allele origin: unknown.

Literature cited by the submitters: PubMed 16376131 (cited by Myriad Genetics, Inc.).